The following is an entry in ClinVar:

NM_005560.6(LAMA5):c.1807G>A (p.Gly603Ser)

Gene: LAMA5 (laminin subunit alpha 5; minus strand). Cytogenetic location: 20q13.33.
Variant type: single nucleotide variant.
Coding change: c.1807G>A on transcript NM_005560.6 (MANE Select); coding-DNA position 1807, G replaced by A.
Protein change: p.Gly603Ser; replaces glycine 603 with serine.
Molecular consequence: missense variant.
Genome position (GRCh38, 1-based): chr20:62,338,100, C>T on the plus strand (G>A on the coding strand, the complement: LAMA5 is on the minus strand). VCF-style: chr20-62338100-C-T. GRCh37 (hg19) VCF-style: chr20-60913156-C-T.
Other names: short protein forms G603S.
Identifiers: ClinVar variation 5036673 (VCV005036673.1).

ClinVar aggregate classification (germline): Uncertain significance (1 of 4 stars; one submission).

Conditions:
Fetal anomalies with a likely genetic cause.

Submission:

Genetics Laboratory, Great Ormond Street Hospital NHS Foundation Trust, North Thames Genomic Laboratory Hub
Classification: Uncertain significance for Fetal anomalies with a likely genetic cause. Last evaluated: 2026-08-27. Review status: criteria provided, single submitter. Criteria: ACGS Best Practice Guidelines for Variant Classification in Rare Disease 2024 v1.2. Collection method: clinical testing. Allele origin: germline. Affected: yes.
Comment: PM2_moderate, PP3_supporting, PP2_supporting